The following is an entry in ClinVar:

ClinVar aggregate classification (germline): Uncertain significance (1 of 4 stars; one submission).

Submission:

Ambry Genetics
Classification: Uncertain significance. Last evaluated: 2021-11-16. Review status: criteria provided, single submitter. Criteria: Ambry Variant Classification Scheme 2023. Collection method: clinical testing. Allele origin: germline.
Comment: The p.M1035I variant (also known as c.3105G>A), located in coding exon 25 of the BUB1 gene, results from a G to A substitution at nucleotide position 3105. The methionine at codon 1035 is replaced by isoleucine, an amino acid with highly similar properties. This amino acid position is conserved. In addition, this alteration is predicted to be tolerated by in silico analysis. Since supporting evidence is limited at this time, the clinical significance of this alteration remains unclear.

NM_004336.5(BUB1):c.3105G>A (p.Met1035Ile)

Gene: BUB1 (BUB1 mitotic checkpoint serine/threonine kinase; minus strand). Cytogenetic location: 2q13.
Variant type: single nucleotide variant.
Coding change: c.3105G>A on transcript NM_004336.5 (MANE Select); coding-DNA position 3105, G replaced by A.
Protein change: p.Met1035Ile; replaces methionine 1035 with isoleucine.
Molecular consequence: missense variant.
Genome position (GRCh38, 1-based): chr2:110,638,117, C>T on the plus strand (G>A on the coding strand, the complement: BUB1 is on the minus strand). VCF-style: chr2-110638117-C-T. GRCh37 (hg19) VCF-style: chr2-111395694-C-T.
Other names: c.3045G>A, p.Met1015Ile (NM_001278616.2); c.2934G>A, p.Met978Ile (NM_001278617.2); short protein forms M978I, M1035I, M1015I.
Identifiers: ClinVar variation 1727684 (VCV001727684.2), dbSNP rs1182486973, ClinGen allele CA348088542.